The following is an entry in ClinVar:

ClinVar aggregate classification (germline): Uncertain significance (1 of 4 stars; one submission).

Conditions:
Fanconi anemia (FA). Also called: Fanconi's anemia. Identifiers: Orphanet 84, MedGen C0015625, MeSH D005199, MONDO:0019391.

Allele frequency attached by ClinVar (database versions not stated): gnomAD exomes below 0.00001.
gnomAD v4.1: 2 of 1,201,213 alleles (0.00017%); highest among the groups gnomAD compares: East Asian, 0.003%; no homozygotes.

Submission:

Labcorp Genetics (formerly Invitae), Labcorp
Classification: Uncertain significance for Fanconi anemia. Last evaluated: 2022-08-28. Review status: criteria provided, single submitter. Criteria: Invitae Variant Classification Sherloc (09022015). Collection method: clinical testing. Allele origin: germline.
Comment: In summary, the available evidence is currently insufficient to determine the role of this variant in disease. Therefore, it has been classified as a Variant of Uncertain Significance. Algorithms developed to predict the effect of missense changes on protein structure and function output the following: SIFT: "Deleterious"; PolyPhen-2: "Benign"; Align-GVGD: "Class C0". The lysine amino acid residue is found in multiple mammalian species, which suggests that this missense change does not adversely affect protein function. ClinVar contains an entry for this variant (Variation ID: 1408884). This variant has not been reported in the literature in individuals affected with FANCB-related conditions. This variant is not present in population databases (gnomAD no frequency). This sequence change replaces glutamic acid, which is acidic and polar, with lysine, which is basic and polar, at codon 714 of the FANCB protein (p.Glu714Lys).

NM_001018113.3(FANCB):c.2140G>A (p.Glu714Lys)

Gene: FANCB (FA complementation group B; minus strand). Cytogenetic location: Xp22.2.
Variant type: single nucleotide variant.
Coding change: c.2140G>A on transcript NM_001018113.3 (MANE Select); coding-DNA position 2140, G replaced by A.
Protein change: p.Glu714Lys; replaces glutamic acid 714 with lysine.
Molecular consequence: missense variant.
Genome position (GRCh38, 1-based): chrX:14,844,528, C>T on the plus strand (G>A on the coding strand, the complement: FANCB is on the minus strand). VCF-style: chrX-14844528-C-T. GRCh37 (hg19) VCF-style: chrX-14862650-C-T.
Other names: c.2140G>A, p.Glu714Lys (NM_001324162.2, NM_152633.4); short protein forms E714K.
Identifiers: ClinVar variation 1408884 (VCV001408884.6), dbSNP rs868748586, ClinGen allele CA327057816.